The following is an entry in ClinVar:

NM_024529.5(CDC73):c.1394C>T (p.Ser465Leu)

Gene: CDC73 (cell division cycle 73; plus strand). Cytogenetic location: 1q31.2.
Variant type: single nucleotide variant.
Coding change: c.1394C>T on transcript NM_024529.5 (MANE Select); coding-DNA position 1394, C replaced by T.
Protein change: p.Ser465Leu; replaces serine 465 with leucine.
Molecular consequence: missense variant.
Genome position (GRCh38, 1-based): chr1:193,236,333, C>T. VCF-style: chr1-193236333-C-T. GRCh37 (hg19) VCF-style: chr1-193205463-C-T.
Other names: short protein forms S465L.
Identifiers: ClinVar variation 1771597 (VCV001771597.2), dbSNP rs1677757408, ClinGen allele CA344078267.
Genomic context (GRCh38, chr1:193,236,333, plus strand): 5'-TTTTTGTGCAGGGTCCTGCATGGCAGTTCAAAGGTTGGCCATGGCTTTTGCCTGATGGAT[C>T]ACCAGTTGATATATTTGCTAAAAGTAAGATTCTCTTTGTATTTACTGTATCCAGTATAGA-3'
Protein context (NP_078805.3, residues 455-475): KGWPWLLPDG[Ser465Leu]PVDIFAKIKA

ClinVar aggregate classification (germline): Uncertain significance (1 of 4 stars; one submission).

Conditions:
Hereditary cancer-predisposing syndrome. Also called: Hereditary Cancer Syndrome; Hereditary neoplastic syndrome; Neoplastic Syndromes, Hereditary; Tumor predisposition. Identifiers: Orphanet 140162, MedGen C0027672, MeSH D009386, MONDO:0015356.

Submission:

Ambry Genetics
Classification: Uncertain significance for Hereditary cancer-predisposing syndrome. Last evaluated: 2021-06-24. Review status: criteria provided, single submitter. Criteria: Ambry Variant Classification Scheme 2023. Collection method: clinical testing. Allele origin: germline.
Comment: The p.S465L variant (also known as c.1394C>T), located in coding exon 15 of the CDC73 gene, results from a C to T substitution at nucleotide position 1394. The serine at codon 465 is replaced by leucine, an amino acid with dissimilar properties. This amino acid position is highly conserved in available vertebrate species. In addition, the in silico prediction for this alteration is inconclusive. Since supporting evidence is limited at this time, the clinical significance of this alteration remains unclear.